The following is an entry in ClinVar:

ClinVar aggregate classification (germline): Uncertain significance (1 of 4 stars; one submission).

Conditions:
Hereditary nonpolyposis colorectal neoplasms. Identifiers: MedGen C0009405, MeSH D003123.

Submission:

Labcorp Genetics (formerly Invitae), Labcorp
Classification: Uncertain significance for Hereditary nonpolyposis colorectal neoplasms. Last evaluated: 2025-02-10. Review status: criteria provided, single submitter. Criteria: Invitae Variant Classification Sherloc (09022015). Collection method: clinical testing. Allele origin: germline.
Comment: This variant occurs in a non-coding region of the MSH6 gene. It does not change the encoded amino acid sequence of the MSH6 protein. This variant is not present in population databases (gnomAD no frequency). This variant has not been reported in the literature in individuals affected with MSH6-related conditions. Experimental studies and prediction algorithms are not available or were not evaluated, and the functional significance of this variant is currently unknown. In summary, the available evidence is currently insufficient to determine the role of this variant in disease. Therefore, it has been classified as a Variant of Uncertain Significance.

NM_000179.3(MSH6):c.4062_*1dup (p.Leu1354_Ter1361=)

Gene: MSH6 (mutS homolog 6; plus strand). Cytogenetic location: 2p16.3.
Variant type: Duplication.
Coding change: c.4062_*1dup on transcript NM_000179.3 (MANE Select); coding-DNA position 4062 through 1 bases downstream of the stop codon, 23 bases duplicated (GACTTTGATTAAGGAATTATAGA).
Protein change: p.Leu1354_Ter1361=.
Molecular consequence: no sequence alteration. On other transcripts: 3 prime UTR variant (5), non-coding transcript variant (5).
Genome position (GRCh38, 1-based): chr2:47,806,839-47,806,861, GACTTTGATTAAGGAATTATAGA duplicated. VCF-style (leftmost placement, unchanged base first): chr2-47806838-T-TGACTTTGATTAAGGAATTATAGA. GRCh37 (hg19) VCF-style: chr2-48033977-T-TGACTTTGATTAAGGAATTATAGA.
Other names: c.3672_*1dup, p.Leu1224_Ter1231= (NM_001281492.2); c.3156_*1dup, p.Leu1052_Ter1059= (NM_001281493.2, NM_001281494.2, NM_001406811.1 and 6 more transcripts); c.4158_*1dup, p.Leu1386_Ter1393= (NM_001406795.1); c.4062_*1dup, p.Leu1354_Ter1361= (NM_001406796.1, NM_001406809.1); c.3765_*1dup, p.Leu1255_Ter1262= (NM_001406797.1, NM_001406805.1, NM_001406818.1 and 8 more transcripts); c.3888_*1dup, p.Leu1296_Ter1303= (NM_001406798.1); c.3537_*1dup, p.Leu1179_Ter1186= (NM_001406799.1, NM_001406806.1, NM_001406807.1); c.*83_*105dup (NM_001406800.1); and 9 more.
Identifiers: ClinVar variation 4712742 (VCV004712742.1).